The following is an entry in ClinVar:

ClinVar aggregate classification (germline): Benign/Likely benign. Review status: criteria provided, multiple submitters, no conflicts (2 of 4 stars). 4 submissions from 4 submitters: Benign (1); Likely benign (3). Last evaluated 2026-07-01.

Conditions:
Hereditary hemochromatosis (HFE). Identifiers: MedGen C0392514, MONDO:0006507. Disease mechanism: loss of function.
Hemochromatosis type 3 (HFE3). Also called: HEMOCHROMATOSIS DUE TO DEFECT IN TRANSFERRIN RECEPTOR 2; Hereditary hemochromatosis type 3; TFR2-Related Hemochromatosis. Identifiers: Orphanet 225123, MedGen C1858664, MONDO:0011417, OMIM 604250.

Allele frequency attached by ClinVar (database versions not stated): 1000 Genomes Project 30x 0.00297; 1000 Genomes Project 0.00339; ExAC 0.00506; ESP Exome Variant Server 0.00559; TOPMed 0.00581; gnomAD exomes 0.00669; gnomAD 0.01091.

Submissions (4):

CeGaT Center for Human Genetics Tuebingen
Classification: Likely benign. Last evaluated: 2026-07-01. Review status: criteria provided, single submitter. Criteria: CeGaT Center For Human Genetics Tuebingen Variant Classification Criteria Version 2. Collection method: clinical testing. Allele origin: germline. Affected: yes. Observed: 6 variant alleles.
Comment: TFR2: BP4, BP7, BS2

Labcorp Genetics (formerly Invitae), Labcorp
Classification: Benign for Hereditary hemochromatosis. Last evaluated: 2026-02-03. Review status: criteria provided, single submitter. Criteria: Invitae Variant Classification Sherloc (09022015). Collection method: clinical testing. Allele origin: germline.

Illumina Laboratory Services, Illumina
Classification: Likely benign for Hemochromatosis type 3. Last evaluated: 2017-04-27. Review status: criteria provided, single submitter. Criteria: ICSL Variant Classification Criteria 13 December 2019. Collection method: clinical testing. Allele origin: germline.
Comment: This variant was observed as part of a predisposition screen in an ostensibly healthy population. A literature search was performed for the gene, cDNA change, and amino acid change (where applicable). Publications were found based on this search. The evidence from the literature, in combination with allele frequency data from public databases where available, was sufficient to determine this variant is unlikely to cause disease. Therefore, this variant is classified as likely benign.

Breakthrough Genomics
Classification: Likely benign. Review status: criteria provided, single submitter. Criteria: ACMG Guidelines, 2015. Collection method: not provided. Allele origin: germline. Inheritance: Autosomal recessive inheritance. Affected: yes.

Literature cited by the submitters: PubMed 22890139 (cited by Illumina Laboratory Services, Illumina); PubMed 17951290 (cited by Illumina Laboratory Services, Illumina).

NM_003227.4(TFR2):c.2085G>C (p.Ser695=)

Genes: TFR2 (transferrin receptor 2; minus strand), LOC113687175 (Sharpr-MPRA regulatory region 4647; plus strand). Cytogenetic location: 7q22.1.
Variant type: single nucleotide variant.
Coding change: c.2085G>C on transcript NM_003227.4 (MANE Select); coding-DNA position 2085, G replaced by C.
Protein change: p.Ser695=; no amino-acid change (serine 695 retained).
Molecular consequence: synonymous variant.
Genome position (GRCh38, 1-based): chr7:100,626,814, C>G on the plus strand (G>C on the coding strand, the complement: TFR2 is on the minus strand). VCF-style: chr7-100626814-C-G. GRCh37 (hg19) VCF-style: chr7-100224437-C-G.
Other names: c.1572G>C, p.Ser524= (NM_001206855.3).
Identifiers: ClinVar variation 220387 (VCV000220387.38), dbSNP rs150303632, ClinGen allele CA348809.